The following is an entry in ClinVar:

NM_002661.5(PLCG2):c.2089C>A (p.Arg697=)

Gene: PLCG2 (phospholipase C gamma 2; plus strand). Cytogenetic location: 16q23.3.
Variant type: single nucleotide variant.
Coding change: c.2089C>A on transcript NM_002661.5 (MANE Select); coding-DNA position 2089, C replaced by A.
Protein change: p.Arg697=; no amino-acid change (arginine 697 retained).
Molecular consequence: synonymous variant.
Genome position (GRCh38, 1-based): chr16:81,919,518, C>A. VCF-style: chr16-81919518-C-A. GRCh37 (hg19) VCF-style: chr16-81953123-C-A.
Other names: c.2089C>A, p.Arg697= (NM_001425749.1, NM_001425750.1, NM_001425751.1).
Identifiers: ClinVar variation 3622545 (VCV003622545.2).
Genomic context (GRCh38, chr16:81,919,518, plus strand): 5'-TCAACCCTGTGTTCTTCCTGCTCCAGGGCTAGGGGCAAGGTAAAGCATTGTCGCATCAAC[C>A]GGGACGGCCGGCACTTTGTGCTGGGGACCTCCGCCTATTTTGAGAGTCTGGTGGAGCTCG-3'
Protein context (NP_002652.2, residues 687-707): RGKVKHCRIN[Arg697=]DGRHFVLGTS

ClinVar aggregate classification (germline): Uncertain significance (1 of 4 stars; one submission).

Conditions:
Familial cold autoinflammatory syndrome 3 (FCAS3). Also called: FAMILIAL ATYPICAL COLD URTICARIA; ANTIBODY DEFICIENCY AND IMMUNE DYSREGULATION, PLCG2-ASSOCIATED. Identifiers: Orphanet 300359, MedGen C3280914, MONDO:0013766, OMIM 614468.

Submission:

Labcorp Genetics (formerly Invitae), Labcorp
Classification: Uncertain significance for Familial cold autoinflammatory syndrome 3. Last evaluated: 2024-05-27. Review status: criteria provided, single submitter. Criteria: Invitae Variant Classification Sherloc (09022015). Collection method: clinical testing. Allele origin: germline.
Comment: This sequence change affects codon 697 of the PLCG2 mRNA. It is a 'silent' change, meaning that it does not change the encoded amino acid sequence of the PLCG2 protein. This variant is present in population databases (no rsID available, gnomAD 0.003%). This variant has not been reported in the literature in individuals affected with PLCG2-related conditions. Algorithms developed to predict the effect of sequence changes on RNA splicing suggest that this variant may create or strengthen a splice site. In summary, the available evidence is currently insufficient to determine the role of this variant in disease. Therefore, it has been classified as a Variant of Uncertain Significance.